The following is an entry in ClinVar:

ClinVar aggregate classification (germline): Benign (1 of 4 stars; one submission).

Allele frequency attached by ClinVar (database versions not stated): gnomAD 0.17920 and 0.18567; TOPMed 0.17939; 1000 Genomes Project 30x 0.23485; 1000 Genomes Project 0.24201.
gnomAD v4.1: 28,320 of 152,212 alleles (19%); highest among the groups gnomAD compares: East Asian, 36%; 2,888 homozygotes.

Submission:

GeneDx
Classification: Benign. Last evaluated: 2018-06-14. Review status: criteria provided, single submitter. Criteria: GeneDx Variant Classification (06012015). Collection method: clinical testing. Allele origin: germline. Affected: yes.
Comment: This variant is considered likely benign or benign based on one or more of the following criteria: it is a conservative change, it occurs at a poorly conserved position in the protein, it is predicted to be benign by multiple in silico algorithms, and/or has population frequency not consistent with disease.

NM_139276.3(STAT3):c.1888+158T>C

Gene: STAT3 (signal transducer and activator of transcription 3; minus strand). Cytogenetic location: 17q21.2.
Variant type: single nucleotide variant.
Coding change: c.1888+158T>C on transcript NM_139276.3 (MANE Select); 158 bases into the intron after coding-DNA position 1888, T replaced by C.
Molecular consequence: intron variant.
Genome position (GRCh38, 1-based): chr17:42,322,846, A>G on the plus strand (T>C on the coding strand, the complement: STAT3 is on the minus strand). VCF-style: chr17-42322846-A-G. GRCh37 (hg19) VCF-style: chr17-40474864-A-G.
Other names: c.1792+158T>C (NM_001384989.1); c.1828+158T>C (NM_001384992.1); c.1804+158T>C (NM_001384984.1); c.1888+158T>C (NM_001369519.1, NM_003150.4, NM_001369517.1 and 9 more transcripts); c.1810+158T>C (NM_001384985.1); c.1867+158T>C (NM_001384987.1); c.1861+158T>C (NM_001384991.1); c.1903+158T>C (NM_001384986.1, NM_001384990.1).
Identifiers: ClinVar variation 677152 (VCV000677152.1), dbSNP rs8064496, ClinGen allele CA14493990.